The following is an entry in ClinVar:

NM_024675.4(PALB2):c.2678A>C (p.Asp893Ala)

Gene: PALB2 (partner and localizer of BRCA2; minus strand). Cytogenetic location: 16p12.2.
Variant type: single nucleotide variant.
Coding change: c.2678A>C on transcript NM_024675.4 (MANE Select); coding-DNA position 2678, A replaced by C.
Protein change: p.Asp893Ala; replaces aspartic acid 893 with alanine.
Molecular consequence: missense variant.
Genome position (GRCh38, 1-based): chr16:23,626,306, T>G on the plus strand (A>C on the coding strand, the complement: PALB2 is on the minus strand). VCF-style: chr16-23626306-T-G. GRCh37 (hg19) VCF-style: chr16-23637627-T-G.
Other names: short protein forms D893A.
Identifiers: ClinVar variation 410182 (VCV000410182.10), dbSNP rs1060502783, ClinGen allele CA16615084.

ClinVar aggregate classification (germline): Uncertain significance. Review status: criteria provided, multiple submitters, no conflicts (2 of 4 stars). 2 submissions from 2 submitters: Uncertain significance (2). Last evaluated 2025-05-31.

Conditions:
Hereditary cancer-predisposing syndrome. Also called: Tumor predisposition; Hereditary Cancer Syndrome; Hereditary neoplastic syndrome; Neoplastic Syndromes, Hereditary. Identifiers: Orphanet 140162, MedGen C0027672, MeSH D009386, MONDO:0015356.
Familial cancer of breast. Also called: BREAST CANCER, FAMILIAL; Hereditary breast cancer; hereditary breast carcinoma. Identifiers: Orphanet 227535, MedGen C0346153, MONDO:0016419, OMIM 114480. Disease mechanism: loss of function.

Submissions (2):

Ambry Genetics
Classification: Uncertain significance for Hereditary cancer-predisposing syndrome. Last evaluated: 2025-05-31. Review status: criteria provided, single submitter. Criteria: Ambry Variant Classification Scheme 2023. Collection method: clinical testing. Allele origin: germline.
Comment: The p.D893A variant (also known as c.2678A>C), located in coding exon 7 of the PALB2 gene, results from an A to C substitution at nucleotide position 2678. The aspartic acid at codon 893 is replaced by alanine, an amino acid with dissimilar properties. This amino acid position is conserved. In addition, this alteration is predicted to be tolerated by in silico analysis. Based on the available evidence, the clinical significance of this variant remains unclear.

Labcorp Genetics (formerly Invitae), Labcorp
Classification: Uncertain significance for Familial cancer of breast. Last evaluated: 2016-09-27. Review status: criteria provided, single submitter. Criteria: Invitae Variant Classification Sherloc (09022015). Collection method: clinical testing. Allele origin: germline.
Comment: Algorithms developed to predict the effect of missense changes on protein structure and function (SIFT, PolyPhen-2, Align-GVGD) all suggest that this variant is likely to be tolerated, but these predictions have not been confirmed by published functional studies. This sequence change replaces aspartic acid with alanine at codon 893 of the PALB2 protein (p.Asp893Ala). The aspartic acid residue is moderately conserved and there is a moderate physicochemical difference between aspartic acid and alanine. This variant is not present in population databases (ExAC no frequency) and has not been reported in the literature in individuals with a PALB2-related disease. In summary, this variant is a novel missense change that is not predicted to affect protein function. There is no indication that it causes disease, but the available evidence is currently insufficient to prove that conclusively. Therefore, it has been classified as a Variant of Uncertain Significance.